The following is an entry in ClinVar:

ClinVar aggregate classification (germline): Uncertain significance (1 of 4 stars; one submission).

Conditions:
Short-rib thoracic dysplasia 6 with or without polydactyly (SRTD6). Also called: Majewski Syndrome; POLYDACTYLY WITH NEONATAL CHONDRODYSTROPHY, TYPE II; SHORT-RIB THORACIC DYSPLASIA 6 WITH POLYDACTYLY; SHORT-RIB THORACIC DYSPLASIA 6 WITHOUT POLYDACTYLY; SHORT RIB-POLYDACTYLY SYNDROME, TYPE IIA. Identifiers: MedGen C0024507, MONDO:0009894, OMIM 263520.

Allele frequency attached by ClinVar (database versions not stated): gnomAD 0.00001; TOPMed 0.00001.

Submission:

Labcorp Genetics (formerly Invitae), Labcorp
Classification: Uncertain significance for Short-rib thoracic dysplasia 6 with or without polydactyly. Last evaluated: 2024-10-28. Review status: criteria provided, single submitter. Criteria: Invitae Variant Classification Sherloc (09022015). Collection method: clinical testing. Allele origin: germline.
Comment: This sequence change replaces serine, which is neutral and polar, with leucine, which is neutral and non-polar, at codon 952 of the NEK1 protein (p.Ser952Leu). This variant is present in population databases (no rsID available, gnomAD 0.007%). This variant has not been reported in the literature in individuals affected with NEK1-related conditions. ClinVar contains an entry for this variant (Variation ID: 2165955). Invitae Evidence Modeling of protein sequence and biophysical properties (such as structural, functional, and spatial information, amino acid conservation, physicochemical variation, residue mobility, and thermodynamic stability) indicates that this missense variant is not expected to disrupt NEK1 protein function with a negative predictive value of 95%. In summary, the available evidence is currently insufficient to determine the role of this variant in disease. Therefore, it has been classified as a Variant of Uncertain Significance.

NM_001199397.3(NEK1):c.2939C>T (p.Ser980Leu)

Gene: NEK1 (NIMA related kinase 1; minus strand). Cytogenetic location: 4q33.
Variant type: single nucleotide variant.
Coding change: c.2939C>T on transcript NM_001199397.3 (MANE Select); coding-DNA position 2939, C replaced by T.
Protein change: p.Ser980Leu; replaces serine 980 with leucine.
Molecular consequence: missense variant. On other transcripts: non-coding transcript variant (1).
Genome position (GRCh38, 1-based): chr4:169,426,181, G>A on the plus strand (C>T on the coding strand, the complement: NEK1 is on the minus strand). VCF-style: chr4-169426181-G-A. GRCh37 (hg19) VCF-style: chr4-170347332-G-A.
Other names: c.2807C>T, p.Ser936Leu (NM_001199398.3); c.2648C>T, p.Ser883Leu (NM_001199399.3); c.2723C>T, p.Ser908Leu (NM_001199400.3); c.2939C>T, p.Ser980Leu (NM_001374418.1); c.2855C>T, p.Ser952Leu (NM_001374419.1, NM_012224.4); c.2804C>T, p.Ser935Leu (NM_001374420.1); c.2456C>T, p.Ser819Leu (NM_001374421.1); short protein forms S819L, S908L, S883L, S952L, S980L, S936L, S935L.
Identifiers: ClinVar variation 2165955 (VCV002165955.4), dbSNP rs1335517698, ClinGen allele CA358801731.